The following is an entry in ClinVar:

ClinVar aggregate classification (germline): Uncertain significance (1 of 4 stars; one submission).

Conditions:
Nemaline myopathy 2 (NEM2). Also called: Nemaline myopathy 2, autosomal recessive. Identifiers: MedGen C1850569, MONDO:0009725, OMIM 256030.

Submission:

Labcorp Genetics (formerly Invitae), Labcorp
Classification: Uncertain significance for Nemaline myopathy 2. Last evaluated: 2020-02-14. Review status: criteria provided, single submitter. Criteria: Invitae Variant Classification Sherloc (09022015). Collection method: clinical testing. Allele origin: germline.
Comment: This sequence change replaces tryptophan with arginine at codon 3791 of the NEB protein (p.Trp3791Arg). The tryptophan residue is moderately conserved and there is a moderate physicochemical difference between tryptophan and arginine. This variant is not present in population databases (ExAC no frequency). This variant has not been reported in the literature in individuals with NEB-related conditions. Algorithms developed to predict the effect of missense changes on protein structure and function are either unavailable or do not agree on the potential impact of this missense change (SIFT: "Deleterious"; PolyPhen-2: "Not Available"; Align-GVGD: "Class C0"). In summary, the available evidence is currently insufficient to determine the role of this variant in disease. Therefore, it has been classified as a Variant of Uncertain Significance.

NM_001164508.2(NEB):c.11371T>C (p.Trp3791Arg)

Gene: NEB (nebulin; minus strand). Cytogenetic location: 2q23.3.
Variant type: single nucleotide variant.
Coding change: c.11371T>C on transcript NM_001164508.2 (MANE Select); coding-DNA position 11371, T replaced by C.
Protein change: p.Trp3791Arg; replaces tryptophan 3791 with arginine.
Molecular consequence: missense variant.
Genome position (GRCh38, 1-based): chr2:151,614,506, A>G on the plus strand (T>C on the coding strand, the complement: NEB is on the minus strand). VCF-style: chr2-151614506-A-G. GRCh37 (hg19) VCF-style: chr2-152471020-A-G.
Other names: c.11371T>C, p.Trp3791Arg (NM_001164507.2, NM_001271208.2); c.10642T>C, p.Trp3548Arg (NM_004543.5); short protein forms W3548R, W3791R.
Identifiers: ClinVar variation 840770 (VCV000840770.9), dbSNP rs2098127092, ClinGen allele CA348782148.